The following is an entry in ClinVar:

ClinVar aggregate classification (germline): Uncertain significance (1 of 4 stars; one submission).

Conditions:
Neurofibromatosis, type 1 (NF1). Also called: VON RECKLINGHAUSEN DISEASE; NEUROFIBROMATOSIS, TYPE I, SOMATIC; Peripheral type neurofibromatosis; Neurofibromatosis, type I. Identifiers: Orphanet 636, MedGen C0027831, MONDO:0018975, OMIM 162200. Disease mechanism: loss of function.

Submission:

Labcorp Genetics (formerly Invitae), Labcorp
Classification: Uncertain significance for Neurofibromatosis, type 1. Last evaluated: 2019-11-13. Review status: criteria provided, single submitter. Criteria: Invitae Variant Classification Sherloc (09022015). Collection method: clinical testing. Allele origin: germline.
Comment: Algorithms developed to predict the effect of missense changes on protein structure and function (SIFT, PolyPhen-2, Align-GVGD) all suggest that this variant is likely to be tolerated, but these predictions have not been confirmed by published functional studies and their clinical significance is uncertain. In summary, the available evidence is currently insufficient to determine the role of this variant in disease. Therefore, it has been classified as a Variant of Uncertain Significance. This sequence change replaces glutamine with arginine at codon 270 of the NF1 protein (p.Gln270Arg). The glutamine residue is moderately conserved and there is a small physicochemical difference between glutamine and arginine. This variant is not present in population databases (ExAC no frequency). This variant has not been reported in the literature in individuals with NF1-related disease.

NM_001042492.3(NF1):c.809A>G (p.Gln270Arg)

Gene: NF1 (neurofibromin 1; plus strand). Cytogenetic location: 17q11.2.
Variant type: single nucleotide variant.
Coding change: c.809A>G on transcript NM_001042492.3 (MANE Select); coding-DNA position 809, A replaced by G.
Protein change: p.Gln270Arg; replaces glutamine 270 with arginine.
Molecular consequence: missense variant.
Genome position (GRCh38, 1-based): chr17:31,182,586, A>G. VCF-style: chr17-31182586-A-G. GRCh37 (hg19) VCF-style: chr17-29509604-A-G.
Other names: c.809A>G, p.Gln270Arg (NM_000267.4, NM_001128147.3); short protein forms Q270R.
Identifiers: ClinVar variation 659075 (VCV000659075.7), dbSNP rs1597659939, ClinGen allele CA398990937.
Genomic context (GRCh38, chr17:31,182,586, plus strand): 5'-TTGACTTGGTGGATGGTTTTGCTGAAAGCACCAAACGTAAAGCAGCAGTTTGGCCACTAC[A>G]AATCATTCTCCTTATCTTGTGTCCAGAAATAATCCAGGATATATCCAAAGACGTGGTTGA-3'
Protein context (NP_001035957.1, residues 260-280): TKRKAAVWPL[Gln270Arg]IILLILCPEI